The following is an entry in ClinVar:

NM_000132.4(F8):c.6719C>T (p.Pro2240Leu)

Gene: F8 (coagulation factor VIII; minus strand). Cytogenetic location: Xq28.
Variant type: single nucleotide variant.
Coding change: c.6719C>T on transcript NM_000132.4 (MANE Select); coding-DNA position 6719, C replaced by T.
Protein change: p.Pro2240Leu; replaces proline 2240 with leucine.
Molecular consequence: missense variant.
Genome position (GRCh38, 1-based): chrX:154,861,722, G>A on the plus strand (C>T on the coding strand, the complement: F8 is on the minus strand). VCF-style: chrX-154861722-G-A. GRCh37 (hg19) VCF-style: chrX-154089997-G-A.
Other names: c.314C>T, p.Pro105Leu (NM_019863.3); short protein forms P105L, P2240L.
Identifiers: ClinVar variation 994123 (VCV000994123.8), dbSNP rs1174359623, ClinGen allele CA414905105.

ClinVar aggregate classification (germline): Likely pathogenic (1 of 4 stars; one submission).

Conditions:
Hereditary factor VIII deficiency disease (HEMA). Also called: AUTOSOMAL HEMOPHILIA A; Hemophilia A, congenital; HEM A; Factor 8 deficiency, congenital; HEMOPHILIA, CLASSIC; Hemophilia A. Identifiers: Orphanet 98878, MedGen C0019069, MONDO:0010602, OMIM 306700.

Allele frequency attached by ClinVar (database versions not stated): TOPMed 0.00004.

Submission:

ARUP Laboratories, Molecular Genetics and Genomics, ARUP Laboratories
Classification: Likely pathogenic for Hereditary factor VIII deficiency disease. Last evaluated: 2019-10-01. Review status: criteria provided, single submitter. Criteria: ARUP Molecular Germline Variant Investigation Process. Collection method: clinical testing. Allele origin: germline.
Comment: The F8 c.6719C>T; p.Pro2240Leu variant, also known as Pro2221Leu for legacy numbering, has been reported in multiple individuals with hemophilia A (Johnsen 2017, see F8 database). Other variants at this codon (p.Pro2240Arg, p.Pro2240Thr, p.Pro2240Ser) have also been associated with hemophilia A (Faridi 2012, Johnsen 2017). The p.Pro2240Leu variant is absent from general population databases (Exome Variant Server, Genome Aggregation Database), indicating it is not a common polymorphism. The proline at codon 2240 is highly conserved, and computational analyses (SIFT, PolyPhen-2) predict that this variant is deleterious. Based on available information, this variant is considered to be likely pathogenic. References: Faridi N et al. Small mutations in hemophilia A: identification of 3 novel mutations in Indian cases. Haemophilia. (2012) 18S3: 137. Johnsen JM et al. Novel approach to genetic analysis and results in 3000 hemophilia patients enrolled in the My Life, Our Future initiative. Blood Adv. 2017 May 18;1(13):824-834. Link to F8 Variant Database